The following is an entry in ClinVar:

NM_001367479.1(DNAH14):c.9797G>A (p.Arg3266Gln)

Gene: DNAH14 (dynein axonemal heavy chain 14; plus strand). Cytogenetic location: 1q42.12.
Variant type: single nucleotide variant.
Coding change: c.9797G>A on transcript NM_001367479.1 (MANE Select); coding-DNA position 9797, G replaced by A.
Protein change: p.Arg3266Gln; replaces arginine 3266 with glutamine.
Molecular consequence: missense variant.
Genome position (GRCh38, 1-based): chr1:225,331,510, G>A. VCF-style: chr1-225331510-G-A. GRCh37 (hg19) VCF-style: chr1-225519212-G-A.
Other names: short protein forms R3266Q.
Identifiers: ClinVar variation 4820682 (VCV004820682.4).

ClinVar aggregate classification (germline): Likely benign (1 of 4 stars; one submission).

gnomAD v4.1: 5,257 of 1,551,254 alleles (0.34%); highest among the groups gnomAD compares: Non-Finnish European, 0.39%; 19 homozygotes.

Submission:

CeGaT Center for Human Genetics Tuebingen
Classification: Likely benign. Last evaluated: 2026-03-01. Review status: criteria provided, single submitter. Criteria: CeGaT Center For Human Genetics Tuebingen Variant Classification Criteria Version 2. Collection method: clinical testing. Allele origin: germline. Affected: yes. Observed: 1 variant allele.
Comment: DNAH14: BP4, BS2